The following is an entry in ClinVar:

ClinVar aggregate classification (germline): Likely benign (0 of 4 stars; one submission).

Conditions:
PLEKHA5-related disorder. Also called: PLEKHA5-related condition.

Allele frequency attached by ClinVar (database versions not stated): ESP Exome Variant Server 0.00175; gnomAD exomes 0.00130; 1000 Genomes Project 30x 0.00094; TOPMed 0.00173; 1000 Genomes Project 0.00100; ExAC 0.00097.
gnomAD v4.1: 2,059 of 1,549,912 alleles (0.13%); highest among the groups gnomAD compares: Middle Eastern, 0.33%; 3 homozygotes.

Submission:

PreventionGenetics, part of Exact Sciences
Classification: Likely benign for PLEKHA5-related condition. Last evaluated: 2023-05-22. Review status: no assertion criteria provided. Collection method: clinical testing. Allele origin: germline.
Comment: This variant is classified as likely benign based on ACMG/AMP sequence variant interpretation guidelines (Richards et al. 2015 PMID: 25741868, with internal and published modifications).

NM_001256470.2(PLEKHA5):c.2842C>T (p.Pro948Ser)

Gene: PLEKHA5 (pleckstrin homology domain containing A5; plus strand). Cytogenetic location: 12p12.3.
Variant type: single nucleotide variant.
Coding change: c.2842C>T on transcript NM_001256470.2 (MANE Select); coding-DNA position 2842, C replaced by T.
Protein change: p.Pro948Ser; replaces proline 948 with serine.
Molecular consequence: missense variant. On other transcripts: non-coding transcript variant (3), intron variant (41).
Genome position (GRCh38, 1-based): chr12:19,347,126, C>T. VCF-style: chr12-19347126-C-T. GRCh37 (hg19) VCF-style: chr12-19500060-C-T.
Other names: c.2290C>T, p.Pro764Ser (NM_001256787.2); c.2824C>T, p.Pro942Ser (NM_001385923.1); c.2806C>T, p.Pro936Ser (NM_001385924.1); c.2788C>T, p.Pro930Ser (NM_001385925.1); c.2842C>T, p.Pro948Ser (NM_001385926.1); c.2722C>T, p.Pro908Ser (NM_001385927.1); c.2674C>T, p.Pro892Ser (NM_001385928.1); c.2533C>T, p.Pro845Ser (NM_001385932.1); and 31 more; short protein forms P737S, P755S, P764S, P776S, P822S, P840S, P845S, P892S.
Identifiers: ClinVar variation 3043095 (VCV003043095.2), dbSNP rs371972893, ClinGen allele CA6472715.
Genomic context (GRCh38, chr12:19,347,126, plus strand): 5'-CCCCCTCTGCCCAGTGATAGCAGCTCCTTGCTCTGTTATAGCAGGGGCCCAGTTCATCTG[C>T]CTGAAGAAAAGAAGATGTATCAAGTTCAAGGATATCCAAGAAATGGATCTCACTGTGTAA-3'
Protein context (NP_001243399.1, residues 938-958): LCYSRGPVHL[Pro948Ser]EEKKMYQVQG